The following is an entry in ClinVar:

ClinVar aggregate classification (germline): Uncertain significance (1 of 4 stars; one submission).

Conditions:
Deficiency of adenosine deaminase 2. Also called: Adenosine Deaminase 2 Deficiency; VASCULITIS, AUTOINFLAMMATION, IMMUNODEFICIENCY, AND HEMATOLOGIC DEFECTS SYNDROME; Polyarteritis nodosa, childhoood-onset. Identifiers: Orphanet 404553, MedGen C3887654, MONDO:0014306, OMIM 615688, MONDO:0100317.

Submission:

Labcorp Genetics (formerly Invitae), Labcorp
Classification: Uncertain significance for Deficiency of adenosine deaminase 2. Last evaluated: 2025-10-15. Review status: criteria provided, single submitter. Criteria: Invitae Variant Classification Sherloc (09022015). Collection method: clinical testing. Allele origin: germline.
Comment: This sequence change replaces phenylalanine, which is neutral and non-polar, with tyrosine, which is neutral and polar, at codon 207 of the ADA2 protein (p.Phe207Tyr). This variant is not present in population databases (gnomAD no frequency). This variant has not been reported in the literature in individuals affected with ADA2-related conditions. Invitae Evidence Modeling of protein sequence and biophysical properties (such as structural, functional, and spatial information, amino acid conservation, physicochemical variation, residue mobility, and thermodynamic stability) has been performed for this missense variant. However, the output from this modeling did not meet the statistical confidence thresholds required to predict the impact of this variant on ADA2 protein function. In summary, the available evidence is currently insufficient to determine the role of this variant in disease. Therefore, it has been classified as a Variant of Uncertain Significance.

NM_001282225.2(ADA2):c.620T>A (p.Phe207Tyr)

Gene: ADA2 (adenosine deaminase 2; minus strand). Cytogenetic location: 22q11.1.
Variant type: single nucleotide variant.
Coding change: c.620T>A on transcript NM_001282225.2 (MANE Select); coding-DNA position 620, T replaced by A.
Protein change: p.Phe207Tyr; replaces phenylalanine 207 with tyrosine.
Molecular consequence: missense variant.
Genome position (GRCh38, 1-based): chr22:17,203,696, A>T on the plus strand (T>A on the coding strand, the complement: ADA2 is on the minus strand). VCF-style: chr22-17203696-A-T. GRCh37 (hg19) VCF-style: chr22-17684586-A-T.
Other names: c.620T>A, p.Phe207Tyr (NM_001282226.2); c.494T>A, p.Phe165Tyr (NM_001282227.2, NM_001282228.2); c.260T>A, p.Phe87Tyr (NM_001282229.2); short protein forms F87Y, F207Y, F165Y.
Identifiers: ClinVar variation 4746348 (VCV004746348.1).
Genomic context (GRCh38, chr22:17,203,696, plus strand): 5'-TAGTCTCTGAACACTGGTGCGTAATGGATGAGACCAGAGATGGTGAAGAAGATGGTTTCA[A>T]ATTTCGACCAGACAACATTTTGGTTTGTGTAAATCACCTCCGGGTGCTGGGTCACCAGAG-3'
Protein context (NP_001269154.1, residues 197-217): YTNQNVVWSK[Phe207Tyr]ETIFFTISGL